The following is an entry in ClinVar:

ClinVar aggregate classification (germline): Uncertain significance (1 of 4 stars; one submission).

Conditions:
Gorlin syndrome. Also called: Nevoid Basal Cell Carcinoma Syndrome; Basal cell nevus syndrome. Identifiers: Orphanet 377, MedGen C0004779, MONDO:0007187.

Submission:

Labcorp Genetics (formerly Invitae), Labcorp
Classification: Uncertain significance for Gorlin syndrome. Last evaluated: 2023-12-01. Review status: criteria provided, single submitter. Criteria: Invitae Variant Classification Sherloc (09022015). Collection method: clinical testing. Allele origin: germline.
Comment: This sequence change falls in intron 13 of the PTCH2 gene. It does not directly change the encoded amino acid sequence of the PTCH2 protein. This variant is not present in population databases (gnomAD no frequency). This variant has not been reported in the literature in individuals affected with PTCH2-related conditions. ClinVar contains an entry for this variant (Variation ID: 2201638). In summary, the available evidence is currently insufficient to determine the role of this variant in disease. Therefore, it has been classified as a Variant of Uncertain Significance.

NM_003738.5(PTCH2):c.1685_1709+14dup

Gene: PTCH2 (patched 2; minus strand). Cytogenetic location: 1p34.1.
Variant type: Duplication.
Coding change: c.1685_1709+14dup on transcript NM_003738.5 (MANE Select); coding-DNA position 1685 through 14 bases into the intron after coding-DNA position 1709, 39 bases duplicated.
Molecular consequence: splice donor variant.
Genome position (GRCh38, 1-based): chr1:44,828,282-44,828,320, 39 bases duplicated; duplicating any 39 consecutive bases within chr1:44,828,282-44,828,325 gives the same sequence; the c. name uses the placement nearest the transcript's 3' end. GRCh37 (hg19): chr1:45,293,959-45,293,997.
Other names: c.1685_1709+14dup (NM_001166292.2).
Identifiers: ClinVar variation 2201638 (VCV002201638.4), dbSNP rs1653256655, ClinGen allele CA1001246535.